The following is an entry in ClinVar:

NM_001371986.1(UNC80):c.6578TCC[1] (p.Leu2194del)

Gene: UNC80 (unc-80 subunit of NALCN channel complex; plus strand). Cytogenetic location: 2q34.
Variant type: Microsatellite.
Coding change: c.6578TCC[1] on transcript NM_001371986.1 (MANE Select); one copy of the 3-base unit TCC starting at c.6578; the reference has two copies in a row; one copy, 3 bases deleted.
Protein change: p.Leu2194del; deletes leucine 2194.
Molecular consequence: inframe deletion.
Genome position (GRCh38, 1-based): chr2:209,939,587-209,939,589, TCC deleted; deleting any 3 consecutive bases within chr2:209,939,582-209,939,589 gives the same sequence; the position shown is the placement nearest the transcript's 3' end. VCF-style (leftmost placement, unchanged base first): chr2-209939581-ACCT-A. GRCh37 (hg19) VCF-style: chr2-210804305-ACCT-A.
Other names: c.6380TCC[1], p.Leu2128del (NM_032504.2); c.6365TCC[1], p.Leu2123del (NM_182587.4); short protein forms L2128del, L2194del, L2123del.
Identifiers: ClinVar variation 2019853 (VCV002019853.4), dbSNP rs2091483886, ClinGen allele CA1041852383.

ClinVar aggregate classification (germline): Uncertain significance (1 of 4 stars; one submission).

Submission:

Labcorp Genetics (formerly Invitae), Labcorp
Classification: Uncertain significance. Last evaluated: 2022-07-27. Review status: criteria provided, single submitter. Criteria: Invitae Variant Classification Sherloc (09022015). Collection method: clinical testing. Allele origin: germline.
Comment: In summary, the available evidence is currently insufficient to determine the role of this variant in disease. Therefore, it has been classified as a Variant of Uncertain Significance. This variant, c.6383_6385del, results in the deletion of 1 amino acid(s) of the UNC80 protein (p.Leu2128del), but otherwise preserves the integrity of the reading frame. This variant is not present in population databases (gnomAD no frequency). This variant has not been reported in the literature in individuals affected with UNC80-related conditions. Experimental studies and prediction algorithms are not available or were not evaluated, and the functional significance of this variant is currently unknown.